The following is an entry in ClinVar:

NM_000051.4(ATM):c.2223T>G (p.Tyr741Ter)

Gene: ATM (ATM serine/threonine kinase; plus strand). Cytogenetic location: 11q22.3.
Variant type: single nucleotide variant.
Coding change: c.2223T>G on transcript NM_000051.4 (MANE Select); coding-DNA position 2223, T replaced by G.
Protein change: p.Tyr741Ter; replaces tyrosine 741 with a stop codon.
Molecular consequence: nonsense.
Genome position (GRCh38, 1-based): chr11:108,256,313, T>G. VCF-style: chr11-108256313-T-G. GRCh37 (hg19) VCF-style: chr11-108127040-T-G.
Other names: c.2223T>G, p.Tyr741Ter (NM_001351834.2); short protein forms Y741*.
Identifiers: ClinVar variation 961636 (VCV000961636.11), dbSNP rs1057524111, ClinGen allele CA382539134.

ClinVar aggregate classification (germline): Pathogenic/Likely pathogenic. Review status: criteria provided, multiple submitters, no conflicts (2 of 4 stars). 4 submissions from 4 submitters: Pathogenic (3); Likely pathogenic (1). Last evaluated 2025-03-04.

Conditions:
Familial cancer of breast. Also called: Hereditary breast cancer; BREAST CANCER, FAMILIAL; hereditary breast carcinoma. Identifiers: Orphanet 227535, MedGen C0346153, MONDO:0016419, OMIM 114480. Disease mechanism: loss of function.
Ataxia-telangiectasia syndrome (AT). Also called: AT, COMPLEMENTATION GROUP C; Ataxia telangiectasia (A-T); Cerebello-oculocutaneous telangiectasia; Immunodeficiency with ataxia telangiectasia; LOUIS-BAR SYNDROME; Ataxia-telangiectasia. Identifiers: Orphanet 100, MedGen C0004135, MONDO:0008840, OMIM 208900.
Hereditary cancer-predisposing syndrome. Also called: Hereditary neoplastic syndrome; Tumor predisposition; Neoplastic Syndromes, Hereditary; Hereditary Cancer Syndrome. Identifiers: Orphanet 140162, MedGen C0027672, MeSH D009386, MONDO:0015356.

Submissions (4):

Center for Genomic Medicine, Rigshospitalet, Copenhagen University Hospital
Classification: Likely pathogenic. Last evaluated: 2025-03-04. Review status: criteria provided, single submitter. Criteria: ACMG Guidelines, 2015. Collection method: clinical testing. Allele origin: germline.

Labcorp Genetics (formerly Invitae), Labcorp
Classification: Pathogenic for Ataxia-telangiectasia syndrome. Last evaluated: 2024-05-29. Review status: criteria provided, single submitter. Criteria: Invitae Variant Classification Sherloc (09022015). Collection method: clinical testing. Allele origin: germline.
Comment: This sequence change creates a premature translational stop signal (p.Tyr741*) in the ATM gene. It is expected to result in an absent or disrupted protein product. Loss-of-function variants in ATM are known to be pathogenic (PMID: 23807571, 25614872). This variant is not present in population databases (gnomAD no frequency). This variant has not been reported in the literature in individuals affected with ATM-related conditions. ClinVar contains an entry for this variant (Variation ID: 961636). For these reasons, this variant has been classified as Pathogenic.

Myriad Genetics, Inc.
Classification: Pathogenic for Familial cancer of breast. Last evaluated: 2023-12-12. Review status: criteria provided, single submitter. Criteria: Myriad Autosomal Dominant, Autosomal Recessive and X-Linked Classification Criteria (2023). Collection method: clinical testing. Allele origin: unknown.
Comment: This variant is considered pathogenic. This variant creates a termination codon and is predicted to result in premature protein truncation.

Ambry Genetics
Classification: Pathogenic for Hereditary cancer-predisposing syndrome. Last evaluated: 2020-08-25. Review status: criteria provided, single submitter. Criteria: Ambry Variant Classification Scheme 2023. Collection method: clinical testing. Allele origin: germline.
Comment: The p.Y741* pathogenic mutation (also known as c.2223T>G), located in coding exon 13 of the ATM gene, results from a T to G substitution at nucleotide position 2223. This changes the amino acid from a tyrosine to a stop codon within coding exon 13. This alteration is expected to result in loss of function by premature protein truncation or nonsense-mediated mRNA decay. As such, this alteration is interpreted as a disease-causing mutation.

Literature cited by the submitters: PubMed 23807571 (cited by Labcorp Genetics (formerly Invitae), Labcorp); PubMed 25614872 (cited by Labcorp Genetics (formerly Invitae), Labcorp).